The following is an entry in ClinVar:

NM_006767.4(LZTR1):c.2035C>T (p.Pro679Ser)

Gene: LZTR1 (leucine zipper like post translational regulator 1; plus strand). Cytogenetic location: 22q11.21.
Variant type: single nucleotide variant.
Coding change: c.2035C>T on transcript NM_006767.4 (MANE Select); coding-DNA position 2035, C replaced by T.
Protein change: p.Pro679Ser; replaces proline 679 with serine.
Molecular consequence: missense variant.
Genome position (GRCh38, 1-based): chr22:20,995,838, C>T. VCF-style: chr22-20995838-C-T. GRCh37 (hg19) VCF-style: chr22-21350127-C-T.
Other names: short protein forms P679S.
Identifiers: ClinVar variation 1319826 (VCV001319826.6), dbSNP rs1434258545, ClinGen allele CA410779106.

ClinVar aggregate classification (germline): Uncertain significance. Review status: criteria provided, multiple submitters, no conflicts (2 of 4 stars). 3 submissions from 3 submitters: Uncertain significance (3). Last evaluated 2025-08-13.

Conditions:
Hereditary cancer-predisposing syndrome. Also called: Hereditary neoplastic syndrome; Neoplastic Syndromes, Hereditary; Tumor predisposition; Hereditary Cancer Syndrome. Identifiers: Orphanet 140162, MedGen C0027672, MeSH D009386, MONDO:0015356.
Cardiovascular phenotype. Identifiers: MedGen CN230736.

Allele frequency attached by ClinVar (database versions not stated): gnomAD exomes below 0.00001.
gnomAD v4.1: 4 of 1,613,178 alleles (0.00025%); highest among the groups gnomAD compares: East Asian, 0.0045%; no homozygotes.

Submissions (3):

Ambry Genetics
Classification: Uncertain significance for Cardiovascular phenotype; Hereditary cancer-predisposing syndrome. Last evaluated: 2025-08-13. Review status: criteria provided, single submitter. Criteria: Ambry Variant Classification Scheme 2023. Collection method: clinical testing. Allele origin: germline.
Comment: The p.P679S variant (also known as c.2035C>T), located in coding exon 17 of the LZTR1 gene, results from a C to T substitution at nucleotide position 2035. The proline at codon 679 is replaced by serine, an amino acid with similar properties. This amino acid position is conserved. In addition, the in silico prediction for this alteration is inconclusive. Since supporting evidence is limited at this time, the clinical significance of this alteration remains unclear.

Labcorp Genetics (formerly Invitae), Labcorp
Classification: Uncertain significance. Last evaluated: 2025-04-03. Review status: criteria provided, single submitter. Criteria: Invitae Variant Classification Sherloc (09022015). Collection method: clinical testing. Allele origin: germline.
Comment: This sequence change replaces proline, which is neutral and non-polar, with serine, which is neutral and polar, at codon 679 of the LZTR1 protein (p.Pro679Ser). This variant is not present in population databases (gnomAD no frequency). This variant has not been reported in the literature in individuals affected with LZTR1-related conditions. ClinVar contains an entry for this variant (Variation ID: 1319826). Invitae Evidence Modeling of protein sequence and biophysical properties (such as structural, functional, and spatial information, amino acid conservation, physicochemical variation, residue mobility, and thermodynamic stability) indicates that this missense variant is not expected to disrupt LZTR1 protein function with a negative predictive value of 80%. In summary, the available evidence is currently insufficient to determine the role of this variant in disease. Therefore, it has been classified as a Variant of Uncertain Significance.

Institute for Clinical Genetics, University Hospital TU Dresden, University Hospital TU Dresden
Classification: Uncertain significance. Last evaluated: 2021-11-03. Review status: criteria provided, single submitter. Criteria: ACMG Guidelines, 2015. Collection method: clinical testing. Allele origin: germline.